The following is an entry in ClinVar:

ClinVar aggregate classification (germline): Conflicting classifications of pathogenicity. Review status: criteria provided, conflicting classifications (1 of 4 stars). 11 submissions from 10 submitters: Uncertain significance (3); Benign (1); Likely benign (6). 1 of the submissions does not count toward it. Last evaluated 2026-01-30.

Conditions:
FLCN-related disorder. Also called: FLCN-related condition.
Birt-Hogg-Dube syndrome 1 (BHD1). Also called: FIBROFOLLICULOMAS WITH TRICHODISCOMAS AND ACROCHORDONS. Identifiers: Orphanet 122, MedGen CN375946, MONDO:0800445, OMIM 135150.
Hereditary cancer-predisposing syndrome. Also called: Tumor predisposition; Hereditary neoplastic syndrome; Hereditary Cancer Syndrome; Neoplastic Syndromes, Hereditary. Identifiers: Orphanet 140162, MedGen C0027672, MeSH D009386, MONDO:0015356.
Birt-Hogg-Dube syndrome. Also called: Birt Hogg Dubé syndrome. Identifiers: Orphanet 122, MedGen C0346010, MONDO:0800444.
Familial spontaneous pneumothorax (PSP). Identifiers: Orphanet 2903, MedGen C1868193, MONDO:0008259, OMIM 173600.

Allele frequency attached by ClinVar (database versions not stated): TOPMed 0.00005; gnomAD exomes 0.00009 and 0.00016; ExAC 0.00010; gnomAD 0.00014 and 0.00015.
gnomAD v4.1: 160 of 1,614,164 alleles (0.0099%); highest among the groups gnomAD compares: East Asian, 0.0067%; 1 homozygote.

Submissions (11):

Labcorp Genetics (formerly Invitae), Labcorp
Classification: Benign for Birt-Hogg-Dube syndrome. Last evaluated: 2026-01-30. Review status: criteria provided, single submitter. Criteria: Invitae Variant Classification Sherloc (09022015). Collection method: clinical testing. Allele origin: germline.

Center for Genomic Medicine, Rigshospitalet, Copenhagen University Hospital
Classification: Uncertain significance. Last evaluated: 2025-12-29. Review status: criteria provided, single submitter. Criteria: ACMG Guidelines, 2015. Collection method: clinical testing. Allele origin: germline.
Comment: Classification criteria: BP4_supporting

CeGaT Center for Human Genetics Tuebingen
Classification: Likely benign. Last evaluated: 2025-02-01. Review status: criteria provided, single submitter. Criteria: CeGaT Center For Human Genetics Tuebingen Variant Classification Criteria Version 2. Collection method: clinical testing. Allele origin: germline. Affected: yes. Observed: 1 variant allele.
Comment: FLCN: BP4

Blueprint Genetics
Classification: Likely benign. Last evaluated: 2024-11-25. Review status: criteria provided, single submitter. Criteria: ACMG Guidelines, 2015. Collection method: clinical testing. Allele origin: germline.

Myriad Genetics, Inc.
Classification: Likely benign for Birt-Hogg-Dube syndrome 1. Last evaluated: 2024-10-25. Review status: criteria provided, single submitter. Criteria: Myriad Autosomal Dominant, Autosomal Recessive and X-Linked Classification Criteria (2023). Collection method: clinical testing. Allele origin: unknown.
Comment: This variant is considered likely benign. This variant has been observed at a population frequency that is significantly greater than expected given the associated disease prevalence and penetrance.

Sema4
Classification: Likely benign for Hereditary cancer-predisposing syndrome. Last evaluated: 2022-01-09. Review status: criteria provided, single submitter. Criteria: Sema4 Curation Guidelines. Collection method: curation. Allele origin: germline.

GeneDx
Classification: Likely benign. Last evaluated: 2020-12-24. Review status: criteria provided, single submitter. Criteria: GeneDx Variant Classification Process June 2021. Collection method: clinical testing. Allele origin: germline. Affected: yes.
Comment: Has not been previously published as pathogenic or benign to our knowledge

Ambry Genetics
Classification: Likely benign for Hereditary cancer-predisposing syndrome. Last evaluated: 2019-09-12. Review status: criteria provided, single submitter. Criteria: Ambry Variant Classification Scheme 2023. Collection method: clinical testing. Allele origin: germline.

Illumina Laboratory Services, Illumina
Classification: Uncertain significance for Familial spontaneous pneumothorax. Last evaluated: 2018-02-02. Review status: criteria provided, single submitter. Criteria: ICSL Variant Classification Criteria 13 December 2019. Collection method: clinical testing. Allele origin: germline.

Illumina Laboratory Services, Illumina
Classification: Uncertain significance for Birt-Hogg-Dube syndrome 1. Last evaluated: 2018-02-02. Review status: criteria provided, single submitter. Criteria: ICSL Variant Classification Criteria 13 December 2019. Collection method: clinical testing. Allele origin: germline.

PreventionGenetics, part of Exact Sciences
Classification: Likely benign for FLCN-related condition. Last evaluated: 2023-11-10. Review status: no assertion criteria provided. Collection method: clinical testing. Allele origin: germline. Not counted in ClinVar's aggregate classification.
Comment: This variant is classified as likely benign based on ACMG/AMP sequence variant interpretation guidelines (Richards et al. 2015 PMID: 25741868, with internal and published modifications).

NM_144997.7(FLCN):c.1463C>T (p.Ala488Val)

Gene: FLCN (folliculin; minus strand). Cytogenetic location: 17p11.2.
Variant type: single nucleotide variant.
Coding change: c.1463C>T on transcript NM_144997.7 (MANE Select); coding-DNA position 1463, C replaced by T.
Protein change: p.Ala488Val; replaces alanine 488 with valine.
Molecular consequence: missense variant.
Genome position (GRCh38, 1-based): chr17:17,215,060, G>A on the plus strand (C>T on the coding strand, the complement: FLCN is on the minus strand). VCF-style: chr17-17215060-G-A. GRCh37 (hg19) VCF-style: chr17-17118374-G-A.
Other names: c.1463C>T (LRG_325t1); c.1517C>T, p.Ala506Val (NM_001353229.2); c.1463C>T, p.Ala488Val (NM_001353230.2, NM_001353231.2); short protein forms A488V, A506V.
Identifiers: ClinVar variation 409392 (VCV000409392.42), dbSNP rs200660337, ClinGen allele CA8415959.